The following is an entry in ClinVar:

ClinVar aggregate classification (germline): Uncertain significance (1 of 4 stars; one submission).

Allele frequency attached by ClinVar (database versions not stated): gnomAD exomes below 0.00001.
gnomAD v4.1: 2 of 1,613,988 alleles (0.00012%); highest among the groups gnomAD compares: Non-Finnish European, 0.000085%; no homozygotes.

Submission:

Labcorp Genetics (formerly Invitae), Labcorp
Classification: Uncertain significance. Last evaluated: 2022-07-03. Review status: criteria provided, single submitter. Criteria: Invitae Variant Classification Sherloc (09022015). Collection method: clinical testing. Allele origin: germline.
Comment: In summary, the available evidence is currently insufficient to determine the role of this variant in disease. Therefore, it has been classified as a Variant of Uncertain Significance. Algorithms developed to predict the effect of missense changes on protein structure and function are either unavailable or do not agree on the potential impact of this missense change (SIFT: "Deleterious"; PolyPhen-2: "Possibly Damaging"; Align-GVGD: "Class C0"). This variant has not been reported in the literature in individuals affected with SLC45A2-related conditions. This variant is not present in population databases (gnomAD no frequency). This sequence change replaces valine, which is neutral and non-polar, with alanine, which is neutral and non-polar, at codon 127 of the SLC45A2 protein (p.Val127Ala).

NM_016180.5(SLC45A2):c.380T>C (p.Val127Ala)

Gene: SLC45A2 (solute carrier family 45 member 2; minus strand). Cytogenetic location: 5p13.2.
Variant type: single nucleotide variant.
Coding change: c.380T>C on transcript NM_016180.5 (MANE Select); coding-DNA position 380, T replaced by C.
Protein change: p.Val127Ala; replaces valine 127 with alanine.
Molecular consequence: missense variant.
Genome position (GRCh38, 1-based): chr5:33,984,204, A>G on the plus strand (T>C on the coding strand, the complement: SLC45A2 is on the minus strand). VCF-style: chr5-33984204-A-G. GRCh37 (hg19) VCF-style: chr5-33984309-A-G.
Other names: c.380T>C, p.Val127Ala (NM_001012509.4, NM_001297417.4); short protein forms V127A.
Identifiers: ClinVar variation 2043852 (VCV002043852.4), dbSNP rs2112019928, ClinGen allele CA359397247.